The following is an entry in ClinVar:

ClinVar aggregate classification (germline): Pathogenic (1 of 4 stars; one submission).

Submission:

Labcorp Genetics (formerly Invitae), Labcorp
Classification: Pathogenic. Last evaluated: 2023-06-13. Review status: criteria provided, single submitter. Criteria: Invitae Variant Classification Sherloc (09022015). Collection method: clinical testing. Allele origin: unknown.
Comment: This variant is a gross deletion of the genomic region encompassing exon(s) 2-4 of the C10orf11 gene. This deletion is out-of-frame, and is expected to create a premature termination codon and result in an absent or disrupted protein product. Loss-of-function variants in C10orf11 are known to be pathogenic (PMID: 23395477, 29345414). For these reasons, this variant has been classified as Pathogenic. This variant has not been reported in the literature in individuals affected with C10orf11-related conditions.

Literature cited by the submitters: PubMed 23395477; PubMed 29345414.

NC_000010.10:g.(?_77795746)_(77818561_?)del

Gene: LRMDA (leucine rich melanocyte differentiation associated; plus strand). Cytogenetic location: 10q22.3.
Variant type: Deletion.
Identifiers: ClinVar variation 3245012 (VCV003245012.1).